The following is an entry in ClinVar:

ClinVar aggregate classification (germline): Conflicting classifications of pathogenicity. Review status: criteria provided, conflicting classifications (1 of 4 stars). 6 submissions from 6 submitters: Uncertain significance (1); Likely benign (4). 1 of the submissions does not count toward it. Last evaluated 2026-01-20.

Conditions:
NPC1-related disorder. Also called: NPC1-related condition.
Inborn genetic diseases. Identifiers: MedGen C0950123, MeSH D030342.
Niemann-Pick disease, type C1. Also called: NEUROVISCERAL STORAGE DISEASE WITH VERTICAL SUPRANUCLEAR OPHTHALMOPLEGIA; NIEMANN-PICK DISEASE WITH CHOLESTEROL ESTERIFICATION BLOCK; NIEMANN-PICK DISEASE WITHOUT SPHINGOMYELINASE DEFICIENCY; NIEMANN-PICK DISEASE, CHRONIC NEURONOPATHIC FORM; NIEMANN-PICK DISEASE, VARIANT TYPE C1. Identifiers: Orphanet 646, MedGen C3179455, MONDO:0009757, OMIM 257220.

Allele frequency attached by ClinVar (database versions not stated): ExAC 0.00006; gnomAD 0.00007 and 0.00008; TOPMed 0.00009; ESP Exome Variant Server 0.00015; 1000 Genomes Project 30x 0.00016; 1000 Genomes Project 0.00020.
gnomAD v4.1: 112 of 1,614,160 alleles (0.0069%); highest among the groups gnomAD compares: Admixed American, 0.018%; no homozygotes.

Submissions (6):

Labcorp Genetics (formerly Invitae), Labcorp
Classification: Likely benign for Niemann-Pick disease, type C1. Last evaluated: 2026-01-20. Review status: criteria provided, single submitter. Criteria: Invitae Variant Classification Sherloc (09022015). Collection method: clinical testing. Allele origin: germline.

Blueprint Genetics
Classification: Likely benign. Last evaluated: 2024-11-21. Review status: criteria provided, single submitter. Criteria: ACMG Guidelines, 2015. Collection method: clinical testing. Allele origin: germline.

Ambry Genetics
Classification: Likely benign for Inborn genetic diseases. Last evaluated: 2024-06-12. Review status: criteria provided, single submitter. Criteria: Ambry Variant Classification Scheme 2023. Collection method: clinical testing. Allele origin: germline.

CeGaT Center for Human Genetics Tuebingen
Classification: Likely benign. Last evaluated: 2022-05-01. Review status: criteria provided, single submitter. Criteria: CeGaT Center For Human Genetics Tuebingen Variant Classification Criteria Version 2. Collection method: clinical testing. Allele origin: germline. Affected: yes. Observed: 3 variant alleles.
Comment: NPC1: BP4, BP7

Eurofins Ntd Llc (ga)
Classification: Uncertain significance. Last evaluated: 2015-05-06. Review status: criteria provided, single submitter. Criteria: EGL Classification Definitions 2015. Collection method: clinical testing. Allele origin: germline. Observed: 1 variant allele, 1 heterozygote.

PreventionGenetics, part of Exact Sciences
Classification: Likely benign for NPC1-related condition. Last evaluated: 2021-03-09. Review status: no assertion criteria provided. Collection method: clinical testing. Allele origin: germline. Not counted in ClinVar's aggregate classification.
Comment: This variant is classified as likely benign based on ACMG/AMP sequence variant interpretation guidelines (Richards et al. 2015 PMID: 25741868, with internal and published modifications).

NM_000271.5(NPC1):c.3528G>A (p.Thr1176=)

Gene: NPC1 (NPC intracellular cholesterol transporter 1; minus strand). Cytogenetic location: 18q11.2.
Variant type: single nucleotide variant.
Coding change: c.3528G>A on transcript NM_000271.5 (MANE Select); coding-DNA position 3528, G replaced by A.
Protein change: p.Thr1176=; no amino-acid change (threonine 1176 retained).
Molecular consequence: synonymous variant.
Genome position (GRCh38, 1-based): chr18:23,534,509, C>T on the plus strand (G>A on the coding strand, the complement: NPC1 is on the minus strand). VCF-style: chr18-23534509-C-T. GRCh37 (hg19) VCF-style: chr18-21114473-C-T.
Identifiers: ClinVar variation 195724 (VCV000195724.50), dbSNP rs150602021, ClinGen allele CA242285.